The following is an entry in ClinVar:

ClinVar aggregate classification (germline): Benign. Review status: criteria provided, multiple submitters, no conflicts (2 of 4 stars). 5 submissions from 5 submitters: Benign (5). Last evaluated 2026-02-01.

Conditions:
Autosomal dominant limb-girdle muscular dystrophy type 1F (LGMDD2). Also called: Limb-girdle muscular dystrophy, type 1F; MUSCULAR DYSTROPHY, LIMB-GIRDLE, AUTOSOMAL DOMINANT 2. Identifiers: Orphanet 55595, MedGen C1842062, MONDO:0012034, OMIM 608423.

Allele frequency attached by ClinVar (database versions not stated): gnomAD 0.03941 and 0.04162; 1000 Genomes Project 0.04692; TOPMed 0.03259; ESP Exome Variant Server 0.03483; 1000 Genomes Project 30x 0.04482; gnomAD exomes 0.05145; ExAC 0.05164.
gnomAD v4.1: 76,157 of 1,613,834 alleles (4.7%); highest among the groups gnomAD compares: East Asian, 7.9%; 2,233 homozygotes.

Submissions (5):

Labcorp Genetics (formerly Invitae), Labcorp
Classification: Benign for Autosomal dominant limb-girdle muscular dystrophy type 1F. Last evaluated: 2026-02-01. Review status: criteria provided, single submitter. Criteria: Invitae Variant Classification Sherloc (09022015). Collection method: clinical testing. Allele origin: germline.

Mayo Clinic Laboratories, Mayo Clinic
Classification: Benign. Last evaluated: 2017-10-10. Review status: criteria provided, single submitter. Criteria: ACMG Guidelines, 2015. Collection method: clinical testing. Allele origin: germline. Observed: 54 variant alleles.

GeneDx
Classification: Benign. Last evaluated: 2016-02-26. Review status: criteria provided, single submitter. Criteria: GeneDx Variant Classification (06012015). Collection method: clinical testing. Allele origin: germline. Affected: yes.
Comment: This variant is considered likely benign or benign based on one or more of the following criteria: it is a conservative change, it occurs at a poorly conserved position in the protein, it is predicted to be benign by multiple in silico algorithms, and/or has population frequency not consistent with disease.

Breakthrough Genomics
Classification: Benign. Review status: criteria provided, single submitter. Criteria: ACMG Guidelines, 2015. Collection method: not provided. Allele origin: germline. Inheritance: Autosomal dominant inheritance. Affected: yes.

PreventionGenetics, part of Exact Sciences
Classification: Benign. Review status: criteria provided, single submitter. Criteria: ACMG Guidelines, 2015. Collection method: clinical testing. Allele origin: germline.

NM_012470.4(TNPO3):c.2205C>T (p.Leu735=)

Gene: TNPO3 (transportin 3; minus strand). Cytogenetic location: 7q32.1.
Variant type: single nucleotide variant.
Coding change: c.2205C>T on transcript NM_012470.4 (MANE Select); coding-DNA position 2205, C replaced by T.
Protein change: p.Leu735=; no amino-acid change (leucine 735 retained).
Molecular consequence: synonymous variant. On other transcripts: non-coding transcript variant (18).
Genome position (GRCh38, 1-based): chr7:128,974,936, G>A on the plus strand (C>T on the coding strand, the complement: TNPO3 is on the minus strand). VCF-style: chr7-128974936-G-A. GRCh37 (hg19) VCF-style: chr7-128614990-G-A.
Other names: p.Leu735=; c.2013C>T, p.Leu671= (NM_001191028.3, NM_001382223.1); c.2307C>T, p.Leu769= (NM_001382216.1); c.2286C>T, p.Leu762= (NM_001382217.1); c.2205C>T, p.Leu735= (NM_001382218.1); c.2097C>T, p.Leu699= (NM_001382219.1); c.2064C>T, p.Leu688= (NM_001382220.1); c.2061C>T, p.Leu687= (NM_001382221.1); and 1 more.
Identifiers: ClinVar variation 260262 (VCV000260262.12), dbSNP rs2293493, ClinGen allele CA4477930.